The following is an entry in ClinVar:

ClinVar aggregate classification (germline): Likely pathogenic (1 of 4 stars; one submission).

Conditions:
Sotos syndrome (SOTOS). Also called: Sotos' syndrome; Distinctive facial appearance, overgrowth in childhood, and learning disabilities or delayed development; CEREBRAL GIGANTISM; CHROMOSOME 5q35 DELETION SYNDROME; SOTOS SYNDROME 1. Identifiers: Orphanet 821, MedGen C0175695, MONDO:0019349, OMIM 117550.

Submission:

Department of Human Genetics, Hannover Medical School
Classification: Likely pathogenic for Sotos syndrome. Last evaluated: 2025-01-06. Review status: criteria provided, single submitter. Criteria: ACMG Guidelines, 2015. Collection method: clinical testing. Allele origin: germline. Inheritance: Autosomal dominant inheritance. Affected: yes.
Comment: ACMG:PVS1, PM2_Supporting

NM_022455.5(NSD1):c.5401dup (p.Ser1801fs)

Genes: NSD1 (nuclear receptor binding SET domain protein 1; plus strand), LOC126807619 (MED14-independent group 3 enhancer GRCh37_chr5:176696443-176697642; plus strand). Cytogenetic location: 5q35.3.
Variant type: Duplication.
Coding change: c.5401dup on transcript NM_022455.5 (MANE Select); coding-DNA position 5401, one base duplicated (T; older notation c.5401dupT).
Protein change: p.Ser1801fs; shifts the reading frame from serine 1801.
Molecular consequence: frameshift variant.
Genome position (GRCh38, 1-based): chr5:177,269,699, T duplicated. VCF-style (leftmost placement, unchanged base first): chr5-177269698-A-AT. GRCh37 (hg19) VCF-style: chr5-176696699-A-AT.
Other names: c.4528dup, p.Ser1510fs (NM_001365684.2, NM_001409308.1, NM_001409309.1 and 1 more transcripts); c.5401dup, p.Ser1801fs (NM_001409301.1, NM_001409302.1, NM_001409303.1); c.4981dup, p.Ser1661fs (NM_001409304.1); c.4648dup, p.Ser1550fs (NM_001409305.1); c.4639dup, p.Ser1547fs (NM_001409306.1, NM_001409307.1); short protein forms S1550fs, S1801fs, S1547fs, S1661fs, S1510fs.
Identifiers: ClinVar variation 3393442 (VCV003393442.1).
Genomic context (GRCh38, chr5:177,269,698, plus strand): 5'-TCCTTCCAACATTGATAAGATGAGACATGATGTGGGAGAGTTCCCAGTCCTCTTTTTTGG[A>AT]TCTAATGACTATTTGTGGACTCACCAGGCCCGAGTCTTCCCTTACATGGAGGGTGACGTG-3'